The following is an entry in ClinVar:

ClinVar aggregate classification (germline): Uncertain significance (1 of 4 stars; one submission).

gnomAD v4.1: 6 of 1,614,204 alleles (0.00037%); highest among the groups gnomAD compares: Non-Finnish European, 0.00042%; no homozygotes.

Submission:

Labcorp Genetics (formerly Invitae), Labcorp
Classification: Uncertain significance. Last evaluated: 2023-08-21. Review status: criteria provided, single submitter. Criteria: Invitae Variant Classification Sherloc (09022015). Collection method: clinical testing. Allele origin: germline.
Comment: This sequence change replaces threonine, which is neutral and polar, with methionine, which is neutral and non-polar, at codon 902 of the LCT protein (p.Thr902Met). This variant is not present in population databases (gnomAD no frequency). This variant has not been reported in the literature in individuals affected with LCT-related conditions. ClinVar contains an entry for this variant (Variation ID: 1472942). Advanced modeling of protein sequence and biophysical properties (such as structural, functional, and spatial information, amino acid conservation, physicochemical variation, residue mobility, and thermodynamic stability) has been performed at Invitae for this missense variant, however the output from this modeling did not meet the statistical confidence thresholds required to predict the impact of this variant on LCT protein function. In summary, the available evidence is currently insufficient to determine the role of this variant in disease. Therefore, it has been classified as a Variant of Uncertain Significance.

NM_002299.4(LCT):c.2705C>T (p.Thr902Met)

Gene: LCT (lactase; minus strand). Cytogenetic location: 2q21.3.
Variant type: single nucleotide variant.
Coding change: c.2705C>T on transcript NM_002299.4 (MANE Select); coding-DNA position 2705, C replaced by T.
Protein change: p.Thr902Met; replaces threonine 902 with methionine.
Molecular consequence: missense variant.
Genome position (GRCh38, 1-based): chr2:135,809,642, G>A on the plus strand (C>T on the coding strand, the complement: LCT is on the minus strand). VCF-style: chr2-135809642-G-A. GRCh37 (hg19) VCF-style: chr2-136567212-G-A.
Other names: short protein forms T902M.
Identifiers: ClinVar variation 1472942 (VCV001472942.6), dbSNP rs746882997, ClinGen allele CA348601955.